The following is an entry in ClinVar:

ClinVar aggregate classification (germline): Conflicting classifications of pathogenicity. Review status: criteria provided, conflicting classifications (1 of 4 stars). 3 submissions from 3 submitters: Likely pathogenic (1); Uncertain significance (2). Last evaluated 2024-12-11.

Conditions:
Cardiovascular phenotype. Identifiers: MedGen CN230736.
Hypertrophic cardiomyopathy. Also called: HYPERTROPHIC MYOCARDIOPATHY. Identifiers: Orphanet 217569, MedGen C0007194, MeSH D002312, MONDO:0005045, HP:0001639.
MYBPC3-related disorder. Also called: MYBPC3-related disorders; MYBPC3-related condition; MYBPC3-related disease.

Allele frequency attached by ClinVar (database versions not stated): gnomAD exomes below 0.00001.
gnomAD v4.1: 1 of 1,560,502 alleles (0.000064%); highest among the groups gnomAD compares: Non-Finnish European, 0.000087%; no homozygotes.

Submissions (3):

Ambry Genetics
Classification: Uncertain significance for Cardiovascular phenotype. Last evaluated: 2024-12-11. Review status: criteria provided, single submitter. Criteria: Ambry Variant Classification Scheme 2023. Collection method: clinical testing. Allele origin: germline.
Comment: The c.505+5G>A intronic variant results from a G to A substitution 5 nucleotides after coding exon 4 in the MYBPC3 gene. This alteration has been reported in a hypertrophic cardiomyopathy (HCM) cohort; however, clinical details were limited (Lopes LR et al. Heart, 2015 Feb;101:294-301). This nucleotide position is highly conserved in available vertebrate species. In silico splice site analysis predicts that this alteration will weaken the native splice donor site and will result in the creation or strengthening of a novel splice donor site. Based on the available evidence, the clinical significance of this variant remains unclear.

Labcorp Genetics (formerly Invitae), Labcorp
Classification: Uncertain significance for Hypertrophic cardiomyopathy. Last evaluated: 2023-07-31. Review status: criteria provided, single submitter. Criteria: Invitae Variant Classification Sherloc (09022015). Collection method: clinical testing. Allele origin: germline.
Comment: This sequence change falls in intron 4 of the MYBPC3 gene. It does not directly change the encoded amino acid sequence of the MYBPC3 protein. It affects a nucleotide within the consensus splice site. This variant is not present in population databases (gnomAD no frequency). This variant has been observed in individual(s) with hypertrophic cardiomyopathy (PMID: 25351510). Variants that disrupt the consensus splice site are a relatively common cause of aberrant splicing (PMID: 17576681, 9536098). Algorithms developed to predict the effect of sequence changes on RNA splicing suggest that this variant may disrupt the consensus splice site. In summary, the available evidence is currently insufficient to determine the role of this variant in disease. Therefore, it has been classified as a Variant of Uncertain Significance.

Blueprint Genetics
Classification: Likely pathogenic for MYBPC3-related disorders. Last evaluated: 2021-02-26. Review status: criteria provided, single submitter. Criteria: ACMG Guidelines, 2015. Collection method: clinical testing. Allele origin: germline. Affected: yes. Observed: 1 variant allele.

Literature cited by the submitters: PubMed 25351510 (cited by Ambry Genetics and Labcorp Genetics (formerly Invitae), Labcorp); PubMed 17576681 (cited by Labcorp Genetics (formerly Invitae), Labcorp); PubMed 9536098 (cited by Labcorp Genetics (formerly Invitae), Labcorp).

NM_000256.3(MYBPC3):c.505+5G>A

Gene: MYBPC3 (myosin binding protein C3; minus strand). Cytogenetic location: 11p11.2.
Variant type: single nucleotide variant.
Coding change: c.505+5G>A on transcript NM_000256.3 (MANE Select); 5 bases into the intron after coding-DNA position 505, G replaced by A.
Molecular consequence: intron variant.
Genome position (GRCh38, 1-based): chr11:47,350,009, C>T on the plus strand (G>A on the coding strand, the complement: MYBPC3 is on the minus strand). VCF-style: chr11-47350009-C-T. GRCh37 (hg19) VCF-style: chr11-47371560-C-T.
Identifiers: ClinVar variation 2735604 (VCV002735604.5), dbSNP rs727503219, ClinGen allele CA599060586.